The following is an entry in ClinVar:

ClinVar aggregate classification (germline): Likely benign (0 of 4 stars; one submission).

Conditions:
DCTN1-related disorder. Also called: DCTN1-related condition.

Allele frequency attached by ClinVar (database versions not stated): TOPMed below 0.00001; gnomAD exomes 0.00001; ExAC 0.00002.
gnomAD v4.1: 16 of 1,614,208 alleles (0.00099%); highest among the groups gnomAD compares: Non-Finnish European, 0.0013%; no homozygotes.

Submission:

PreventionGenetics, part of Exact Sciences
Classification: Likely benign for DCTN1-related condition. Last evaluated: 2021-10-11. Review status: no assertion criteria provided. Collection method: clinical testing. Allele origin: germline.
Comment: This variant is classified as likely benign based on ACMG/AMP sequence variant interpretation guidelines (Richards et al. 2015 PMID: 25741868, with internal and published modifications).

NM_004082.5(DCTN1):c.1995C>T (p.Ala665=)

Gene: DCTN1 (dynactin subunit 1; minus strand). Cytogenetic location: 2p13.1.
Variant type: single nucleotide variant.
Coding change: c.1995C>T on transcript NM_004082.5 (MANE Select); coding-DNA position 1995, C replaced by T.
Protein change: p.Ala665=; no amino-acid change (alanine 665 retained).
Molecular consequence: synonymous variant. On other transcripts: non-coding transcript variant (1).
Genome position (GRCh38, 1-based): chr2:74,367,991, G>A on the plus strand (C>T on the coding strand, the complement: DCTN1 is on the minus strand). VCF-style: chr2-74367991-G-A. GRCh37 (hg19) VCF-style: chr2-74595118-G-A.
Other names: c.1935C>T, p.Ala645= (NM_001135040.3); c.1593C>T, p.Ala531= (NM_001135041.3, NM_023019.4); c.1884C>T, p.Ala628= (NM_001190836.2); c.1974C>T, p.Ala658= (NM_001190837.2); c.1944C>T, p.Ala648= (NM_001378991.1); c.1926C>T, p.Ala642= (NM_001378992.1).
Identifiers: ClinVar variation 3061494 (VCV003061494.2), dbSNP rs767698839, ClinGen allele CA1721994.
Genomic context (GRCh38, chr2:74,367,991, plus strand): 5'-GGACCCCCACCCTGGGGTGAGGGAGTCAGGAGTCACTTACTGCTCATAGCGGTGTAGCGT[G>A]GCCTGCAGCAGGCTCAGCGAGTACACCAGTCCAGCAGCAAAGCTGAGTTGCTCCCCAGCA-3'
Protein context (NP_004073.2, residues 655-675): GLVYSLSLLQ[Ala665=]TLHRYEHALS